The following is an entry in ClinVar:

ClinVar aggregate classification (germline): Uncertain significance. Review status: criteria provided, multiple submitters, no conflicts (2 of 4 stars). 3 submissions from 3 submitters: Uncertain significance (2). 1 of the submissions does not count toward it. Last evaluated 2023-06-12.

Conditions:
Cardiomyopathy (CMYO). Also called: Cardiomyopathies. Identifiers: Orphanet 167848, MedGen C0878544, MONDO:0004994, HP:0001638. Inheritance: Various modes of inheritance.
Hypertrophic cardiomyopathy. Also called: HYPERTROPHIC MYOCARDIOPATHY. Identifiers: Orphanet 217569, MedGen C0007194, MeSH D002312, MONDO:0005045, HP:0001639.

Allele frequency attached by ClinVar (database versions not stated): ExAC 0.00003.
gnomAD v4.1: 6 of 1,614,236 alleles (0.00037%); highest among the groups gnomAD compares: South Asian, 0.0022%; 1 homozygote.

Submissions (3):

CHEO Genetics Diagnostic Laboratory, Children's Hospital of Eastern Ontario
Classification: Uncertain significance for Cardiomyopathy. Last evaluated: 2023-06-12. Review status: criteria provided, single submitter. Criteria: ACMG Guidelines, 2015. Collection method: clinical testing. Allele origin: germline.

Laboratory for Molecular Medicine, Mass General Brigham Personalized Medicine
Classification: Uncertain significance. Last evaluated: 2013-09-13. Review status: criteria provided, single submitter. Criteria: LMM Criteria. Collection method: clinical testing. Allele origin: germline. Inheritance: Autosomal dominant inheritance. Observed: 1 variant allele.
Comment: proposed classification - variant undergoing re-assessment, contact laboratory

Agnes Ginges Centre for Molecular Cardiology, Centenary Institute
Classification: Uncertain significance for Hypertrophic cardiomyopathy. Last evaluated: 2020-02-25. Review status: no assertion criteria provided. Collection method: research. Allele origin: germline. Inheritance: Autosomal dominant inheritance. Affected: yes. Not counted in ClinVar's aggregate classification.
Comment: TNNT2 Val218Leu has been previously identified in a HCM proband (Walsh R et al., 2017). The variant is present at a low frequency in the Genome Aggregation Database (MAF= 0.00001). In silico tools predict the variant to be benign (SIFT, Polyphen-2, MutationTaster). There is limited evidence to suggest a causative role for this variant, therefore we have classified it as a variant of "uncertain significance".

Literature cited by the submitters: PubMed 27532257 (cited by Agnes Ginges Centre for Molecular Cardiology, Centenary Institute); PubMed 28408708 (cited by Agnes Ginges Centre for Molecular Cardiology, Centenary Institute).

NM_001276345.2(TNNT2):c.682G>T (p.Val228Leu)

Gene: TNNT2 (troponin T2, cardiac type; minus strand). Cytogenetic location: 1q32.1.
Variant type: single nucleotide variant.
Coding change: c.682G>T on transcript NM_001276345.2 (MANE Select); coding-DNA position 682, G replaced by T.
Protein change: p.Val228Leu; replaces valine 228 with leucine.
Molecular consequence: missense variant.
Genome position (GRCh38, 1-based): chr1:201,361,950, C>A on the plus strand (G>T on the coding strand, the complement: TNNT2 is on the minus strand). VCF-style: chr1-201361950-C-A. GRCh37 (hg19) VCF-style: chr1-201331078-C-A.
Other names: c.673G>T, p.Val225Leu (NM_000364.4); c.652G>T, p.Val218Leu (NM_001001430.3, NM_001276347.2); c.643G>T, p.Val215Leu (NM_001001431.3); c.634G>T, p.Val212Leu (NM_001001432.3); c.553G>T, p.Val185Leu (NM_001276346.2); short protein forms V218L, V225L, V215L, V185L, V212L, V228L.
Identifiers: ClinVar variation 43662 (VCV000043662.7), dbSNP rs397516479, ClinGen allele CA077494.